The following is an entry in ClinVar:

ClinVar aggregate classification (germline): Conflicting classifications of pathogenicity. Review status: criteria provided, conflicting classifications (1 of 4 stars). 2 submissions from 2 submitters: Likely pathogenic (1); Uncertain significance (1). Last evaluated 2024-03-12.

Conditions:
Karyomegalic interstitial nephritis. Identifiers: Orphanet 401996, MedGen C3553774, MONDO:0013898, OMIM 614817.

Allele frequency attached by ClinVar (database versions not stated): gnomAD 0.00005; TOPMed 0.00005; gnomAD exomes 0.00007; ExAC 0.00009.
gnomAD v4.1: 115 of 1,612,786 alleles (0.0071%); highest among the groups gnomAD compares: Non-Finnish European, 0.009%; no homozygotes.

Submissions (2):

Fulgent Genetics
Classification: Uncertain significance for Karyomegalic interstitial nephritis. Last evaluated: 2024-03-12. Review status: criteria provided, single submitter. Criteria: ACMG Guidelines, 2015. Collection method: clinical testing. Allele origin: germline.

Labcorp Genetics (formerly Invitae), Labcorp
Classification: Likely pathogenic. Last evaluated: 2022-10-04. Review status: criteria provided, single submitter. Criteria: Invitae Variant Classification Sherloc (09022015). Collection method: clinical testing. Allele origin: germline.
Comment: This sequence change replaces aspartic acid, which is acidic and polar, with asparagine, which is neutral and polar, at codon 960 of the FAN1 protein (p.Asp960Asn). This variant is present in population databases (rs751703979, gnomAD 0.009%). This missense change has been observed in individual(s) with karyomegalic interstitial nephritis (PMID: 22772369). In at least one individual the data is consistent with being in trans (on the opposite chromosome) from a pathogenic variant. It has also been observed to segregate with disease in related individuals. Algorithms developed to predict the effect of missense changes on protein structure and function are either unavailable or do not agree on the potential impact of this missense change (SIFT: "Deleterious"; PolyPhen-2: "Probably Damaging"; Align-GVGD: "Class C0"). In summary, the currently available evidence indicates that the variant is pathogenic, but additional data are needed to prove that conclusively. Therefore, this variant has been classified as Likely Pathogenic.

Literature cited by the submitters: PubMed 22772369 (cited by Labcorp Genetics (formerly Invitae), Labcorp).

NM_014967.5(FAN1):c.2878G>A (p.Asp960Asn)

Genes: FAN1 (FANCD2 and FANCI associated nuclease 1; plus strand), MTMR10 (myotubularin related protein 10; minus strand). Cytogenetic location: 15q13.3.
Variant type: single nucleotide variant.
Coding change: c.2878G>A on transcript NM_014967.5 (MANE Select); coding-DNA position 2878, G replaced by A.
Protein change: p.Asp960Asn; replaces aspartic acid 960 with asparagine.
Molecular consequence: missense variant.
Genome position (GRCh38, 1-based): chr15:30,930,633, G>A. VCF-style: chr15-30930633-G-A. GRCh37 (hg19) VCF-style: chr15-31222836-G-A.
Other names: short protein forms D960N.
Identifiers: ClinVar variation 2148740 (VCV002148740.5), dbSNP rs751703979, ClinGen allele CA7450809.